The following is an entry in ClinVar:

NM_001378964.1(CDON):c.*167A>G

Gene: CDON (cell adhesion associated, oncogene regulated; minus strand). Cytogenetic location: 11q24.2.
Variant type: single nucleotide variant.
Coding change: c.*167A>G on transcript NM_001378964.1 (MANE Select); 167 bases downstream of the stop codon, A replaced by G.
Molecular consequence: 3 prime UTR variant.
Genome position (GRCh38, 1-based): chr11:125,960,775, T>C on the plus strand (A>G on the coding strand, the complement: CDON is on the minus strand). VCF-style: chr11-125960775-T-C. GRCh37 (hg19) VCF-style: chr11-125830670-T-C.
Other names: c.*167A>G (NM_001243597.3, NM_016952.6).
Identifiers: ClinVar variation 880511 (VCV000880511.4), dbSNP rs141225852, ClinGen allele CA230551739.

ClinVar aggregate classification (germline): Benign (1 of 4 stars; one submission).

Conditions:
Holoprosencephaly 11 (HPE11). Identifiers: Orphanet 2162, MedGen C3280215, MONDO:0013642, OMIM 614226.

Allele frequency attached by ClinVar (database versions not stated): TOPMed 0.00212; gnomAD 0.00231 and 0.00219; 1000 Genomes Project 0.00260; 1000 Genomes Project 30x 0.00328; gnomAD exomes 0.00023.
gnomAD v4.1: 459 of 689,458 alleles (0.067%); highest among the groups gnomAD compares: African/African-American, 0.76%; 2 homozygotes.

Submission:

Illumina Laboratory Services, Illumina
Classification: Benign for Holoprosencephaly 11. Last evaluated: 2018-01-13. Review status: criteria provided, single submitter. Criteria: ICSL Variant Classification Criteria 13 December 2019. Collection method: clinical testing. Allele origin: germline.
Comment: This variant was observed in the ICSL laboratory as part of a predisposition screen in an ostensibly healthy population. It had not been previously curated by ICSL or reported in the Human Gene Mutation Database (HGMD: prior to June 1st, 2018), and was therefore a candidate for classification through an automated scoring system. Utilizing variant allele frequency, disease prevalence and penetrance estimates, and inheritance mode, an automated score was calculated to assess if this variant is too frequent to cause the disease. Based on the score and internal cut-off values, a variant classified as benign is not then subjected to further curation. The score for this variant resulted in a classification of benign for this disease.